The following is an entry in ClinVar:

ClinVar aggregate classification (germline): Uncertain significance (1 of 4 stars; one submission).

Submission:

GeneDx
Classification: Uncertain significance. Last evaluated: 2019-03-29. Review status: criteria provided, single submitter. Criteria: GeneDx Variant Classification Process June 2021. Collection method: clinical testing. Allele origin: germline. Affected: yes.
Comment: Not observed [at a significant frequency] in large population cohorts (Lek et al., 2016); In silico analysis, which includes protein predictors and evolutionary conservation, supports that this variant does not alter protein structure/function; Has not been previously published as pathogenic or benign to our knowledge

NM_012414.4(RAB3GAP2):c.40C>G (p.Leu14Val)

Gene: RAB3GAP2 (RAB3 GTPase activating non-catalytic protein subunit 2; minus strand). Cytogenetic location: 1q41.
Variant type: single nucleotide variant.
Coding change: c.40C>G on transcript NM_012414.4 (MANE Select); coding-DNA position 40, C replaced by G.
Protein change: p.Leu14Val; replaces leucine 14 with valine.
Molecular consequence: missense variant.
Genome position (GRCh38, 1-based): chr1:220,272,298, G>C on the plus strand (C>G on the coding strand, the complement: RAB3GAP2 is on the minus strand). VCF-style: chr1-220272298-G-C. GRCh37 (hg19) VCF-style: chr1-220445640-G-C.
Other names: short protein forms L14V.
Identifiers: ClinVar variation 1308353 (VCV001308353.2), dbSNP rs1231404992, ClinGen allele CA344734707.